The following is an entry in ClinVar:

ClinVar aggregate classification (germline): Conflicting classifications of pathogenicity. Review status: criteria provided, conflicting classifications (1 of 4 stars). 3 submissions from 3 submitters: Uncertain significance (2); Likely benign (1). Last evaluated 2026-01-19.

Conditions:
ADGRV1-related disorder. Also called: ADGRV1-related disorders; ADGRV1-related condition.

Allele frequency attached by ClinVar (database versions not stated): gnomAD below 0.00001 and 0.00005; TOPMed 0.00001; ExAC 0.00020; 1000 Genomes Project 30x 0.00031; 1000 Genomes Project 0.00040.
gnomAD v4.1: 98 of 1,594,292 alleles (0.0061%); highest among the groups gnomAD compares: South Asian, 0.11%; 1 homozygote.

Submissions (3):

Labcorp Genetics (formerly Invitae), Labcorp
Classification: Likely benign. Last evaluated: 2026-01-19. Review status: criteria provided, single submitter. Criteria: Invitae Variant Classification Sherloc (09022015). Collection method: clinical testing. Allele origin: germline.

PreventionGenetics, part of Exact Sciences
Classification: Uncertain significance for ADGRV1-related condition. Last evaluated: 2024-10-16. Review status: criteria provided, single submitter. Criteria: ACMG Guidelines, 2015. Collection method: clinical testing. Allele origin: germline.
Comment: The ADGRV1 c.5104C>T variant is predicted to result in the amino acid substitution p.Pro1702Ser. To our knowledge, this variant has not been reported in the literature. This variant is reported in 0.12% of alleles in individuals of South Asian descent in gnomAD, which may be too common to be an unreported cause of disease. Although we suspect that this variant may be benign, at this time, the clinical significance of this variant is uncertain due to the absence of conclusive functional and genetic evidence.

Laboratory for Molecular Medicine, Mass General Brigham Personalized Medicine
Classification: Uncertain significance. Last evaluated: 2018-02-14. Review status: criteria provided, single submitter. Criteria: LMM Criteria. Collection method: clinical testing. Allele origin: germline. Observed: 1 variant allele.
Comment: The p.Pro1702Ser variant in ADGRV1 has been reported in 1 individual with Usher syndrome without a second variant in ADGRV1 identified (Le Quesne Stabej 2012), but was also identified in 0.1% (33/27756) of South Asian chromosomes by the Gen ome Aggregation Database (gnomAD; dbSNP rs5350 38304). Although this variant has been seen in the general population, its frequ ency is not high enough to rule out a pathogenic role. Computational prediction tools and conservation analysis do not provide strong support for or against an impact to the protein. In summary, the clinical significance of the p.Pro1702Ser variant is uncertain. ACMG/AMP Criteria applied: None.

Literature cited by the submitters: PubMed 22135276 (cited by Laboratory for Molecular Medicine, Mass General Brigham Personalized Medicine).

NM_032119.4(ADGRV1):c.5104C>T (p.Pro1702Ser)

Gene: ADGRV1 (adhesion G protein-coupled receptor V1; plus strand). Cytogenetic location: 5q14.3.
Variant type: single nucleotide variant.
Coding change: c.5104C>T on transcript NM_032119.4 (MANE Select); coding-DNA position 5104, C replaced by T.
Protein change: p.Pro1702Ser; replaces proline 1702 with serine.
Molecular consequence: missense variant. On other transcripts: non-coding transcript variant (1).
Genome position (GRCh38, 1-based): chr5:90,674,228, C>T. VCF-style: chr5-90674228-C-T. GRCh37 (hg19) VCF-style: chr5-89970045-C-T.
Other names: short protein forms P1702S.
Identifiers: ClinVar variation 667186 (VCV000667186.15), dbSNP rs535038304, ClinGen allele CA3339476.